The following is an entry in ClinVar:

ClinVar aggregate classification (germline): Likely benign. Review status: criteria provided, multiple submitters, no conflicts (2 of 4 stars). 3 submissions from 3 submitters: Likely benign (3). Last evaluated 2024-11-14.

Allele frequency attached by ClinVar (database versions not stated): ExAC 0.00002; gnomAD exomes 0.00003; gnomAD 0.00007; TOPMed 0.00007.
gnomAD v4.1: 62 of 1,607,372 alleles (0.0039%); highest among the groups gnomAD compares: Middle Eastern, 0.05%; no homozygotes.

Submissions (3):

Blueprint Genetics
Classification: Likely benign. Last evaluated: 2024-11-14. Review status: criteria provided, single submitter. Criteria: ACMG Guidelines, 2015. Collection method: clinical testing. Allele origin: germline.

Labcorp Genetics (formerly Invitae), Labcorp
Classification: Likely benign. Last evaluated: 2023-12-09. Review status: criteria provided, single submitter. Criteria: Invitae Variant Classification Sherloc (09022015). Collection method: clinical testing. Allele origin: germline.

GeneDx
Classification: Likely benign. Last evaluated: 2018-06-08. Review status: criteria provided, single submitter. Criteria: GeneDx Variant Classification (06012015). Collection method: clinical testing. Allele origin: germline. Affected: yes.
Comment: This variant is considered likely benign or benign based on one or more of the following criteria: it is a conservative change, it occurs at a poorly conserved position in the protein, it is predicted to be benign by multiple in silico algorithms, and/or has population frequency not consistent with disease.

NM_001083961.2(WDR62):c.2147-13G>A

Gene: WDR62 (WD repeat domain 62; plus strand). Cytogenetic location: 19q13.12.
Variant type: single nucleotide variant.
Coding change: c.2147-13G>A on transcript NM_001083961.2 (MANE Select); 13 bases into the intron before coding-DNA position 2147, G replaced by A.
Molecular consequence: intron variant.
Genome position (GRCh38, 1-based): chr19:36,091,389, G>A. VCF-style: chr19-36091389-G-A. GRCh37 (hg19) VCF-style: chr19-36582291-G-A.
Other names: c.2147-13G>A (NM_173636.5).
Identifiers: ClinVar variation 669236 (VCV000669236.6), dbSNP rs758344305, ClinGen allele CA9395856.
Genomic context (GRCh38, chr19:36,091,389, plus strand): 5'-CTTGGGATGCCTCCCCACCCGCCCACACCCTCTGACTCCGAAGGCAAGTGCAGCCTCTCT[G>A]CTTTGTTTGCAGAAATTATTACCAGCATGAAGTTCACCTATGACTGTCATCACTTGATCA-3'